The following is an entry in ClinVar:

ClinVar aggregate classification (germline): Uncertain significance (1 of 4 stars; one submission).

Allele frequency attached by ClinVar (database versions not stated): gnomAD exomes 0.00001; ExAC 0.00003; TOPMed 0.00006; gnomAD 0.00009.
gnomAD v4.1: 27 of 1,614,042 alleles (0.0017%); highest among the groups gnomAD compares: African/African-American, 0.021%; no homozygotes.

Submission:

Ambry Genetics
Classification: Uncertain significance. Last evaluated: 2021-01-06. Review status: criteria provided, single submitter. Criteria: Ambry Variant Classification Scheme 2023. Collection method: clinical testing. Allele origin: germline.
Comment: The c.596A>G (p.H199R) alteration is located in exon 4 (coding exon 4) of the IYD gene. This alteration results from a A to G substitution at nucleotide position 596, causing the histidine (H) at amino acid position 199 to be replaced by an arginine (R). The p.H199R alteration is predicted to be tolerated by in silico analysis. Based on insufficient or conflicting evidence, the clinical significance of this alteration remains unclear.

NM_203395.3(IYD):c.596A>G (p.His199Arg)

Gene: IYD (iodotyrosine deiodinase; plus strand). Cytogenetic location: 6q25.1.
Variant type: single nucleotide variant.
Coding change: c.596A>G on transcript NM_203395.3 (MANE Select); coding-DNA position 596, A replaced by G.
Protein change: p.His199Arg; replaces histidine 199 with arginine.
Molecular consequence: missense variant. On other transcripts: non-coding transcript variant (1).
Genome position (GRCh38, 1-based): chr6:150,394,164, A>G. VCF-style: chr6-150394164-A-G. GRCh37 (hg19) VCF-style: chr6-150715300-A-G.
Other names: c.596A>G, p.His199Arg (NM_001164694.2, NM_001164695.2); c.350A>G, p.His117Arg (NM_001318495.2); short protein forms H199R, H117R.
Identifiers: ClinVar variation 3112053 (VCV003112053.1), dbSNP rs771889486, ClinGen allele CA4047070.